The following is an entry in ClinVar:

NM_007194.4(CHEK2):c.1237T>G (p.Leu413Val)

Gene: CHEK2 (checkpoint kinase 2; minus strand). Cytogenetic location: 22q12.1.
Variant type: single nucleotide variant.
Coding change: c.1237T>G on transcript NM_007194.4 (MANE Select); coding-DNA position 1237, T replaced by G.
Protein change: p.Leu413Val; replaces leucine 413 with valine.
Molecular consequence: missense variant.
Genome position (GRCh38, 1-based): chr22:28,695,732, A>C on the plus strand (T>G on the coding strand, the complement: CHEK2 is on the minus strand). VCF-style: chr22-28695732-A-C. GRCh37 (hg19) VCF-style: chr22-29091720-A-C.
Other names: c.1366T>G, p.Leu456Val (NM_001005735.3); c.574T>G, p.Leu192Val (NM_001257387.3); c.1036T>G, p.Leu346Val (NM_001349956.3); c.1150T>G, p.Leu384Val (NM_145862.3); short protein forms L192V, L384V, L413V, L346V, L456V.
Identifiers: ClinVar variation 1757249 (VCV001757249.2), dbSNP rs2517804519, ClinGen allele CA411096612.
Genomic context (GRCh38, chr22:28,695,732, plus strand): 5'-CTCCTACCAGTCTGTGCAGCAATGAAAATATTTCTTACCAGATAAAAAGAATAACTCCTA[A>C]ACTCCAGCAGTCCACAGCACGGTTATACCCAGCAGTCCCAACAGAAACAAGAACTTCAGG-3'
Protein context (NP_009125.1, residues 403-423): GYNRAVDCWS[Leu413Val]GVILFICLSG

ClinVar aggregate classification (germline): Uncertain significance (1 of 4 stars; one submission).

Conditions:
Hereditary cancer-predisposing syndrome. Also called: Neoplastic Syndromes, Hereditary; Tumor predisposition; Hereditary Cancer Syndrome; Hereditary neoplastic syndrome. Identifiers: Orphanet 140162, MedGen C0027672, MeSH D009386, MONDO:0015356.

Submission:

Ambry Genetics
Classification: Uncertain significance for Hereditary cancer-predisposing syndrome. Last evaluated: 2021-12-13. Review status: criteria provided, single submitter. Criteria: Ambry Variant Classification Scheme 2023. Collection method: clinical testing. Allele origin: germline.
Comment: The p.L413V variant (also known as c.1237T>G), located in coding exon 10 of the CHEK2 gene, results from a T to G substitution at nucleotide position 1237. The leucine at codon 413 is replaced by valine, an amino acid with highly similar properties. This amino acid position is highly conserved in available vertebrate species. In addition, the in silico prediction for this alteration is inconclusive. Since supporting evidence is limited at this time, the clinical significance of this alteration remains unclear.